The following is an entry in ClinVar:

NM_000465.4(BARD1):c.272G>A (p.Trp91Ter)

Gene: BARD1 (BRCA1 associated RING domain 1; minus strand). Cytogenetic location: 2q35.
Variant type: single nucleotide variant.
Coding change: c.272G>A on transcript NM_000465.4 (MANE Select); coding-DNA position 272, G replaced by A.
Protein change: p.Trp91Ter; replaces tryptophan 91 with a stop codon.
Molecular consequence: nonsense. On other transcripts: non-coding transcript variant (1), intron variant (2).
Genome position (GRCh38, 1-based): chr2:214,792,389, C>T on the plus strand (G>A on the coding strand, the complement: BARD1 is on the minus strand). VCF-style: chr2-214792389-C-T. GRCh37 (hg19) VCF-style: chr2-215657113-C-T.
Other names: c.215G>A, p.Trp72Ter (NM_001282543.2); c.272G>A, p.Trp91Ter (NM_001282549.2); c.158+17023G>A (NM_001282548.2); c.215+4672G>A (NM_001282545.2); c.272G>A (NM_000465.2); short protein forms W91*, W72*.
Identifiers: ClinVar variation 629003 (VCV000629003.17), dbSNP rs1559437094, ClinGen allele CA350461125.

ClinVar aggregate classification (germline): Pathogenic/Likely pathogenic. Review status: criteria provided, multiple submitters, no conflicts (2 of 4 stars). 5 submissions from 5 submitters: Pathogenic (4); Likely pathogenic (1). Last evaluated 2024-03-21.

Conditions:
Familial cancer of breast. Also called: BREAST CANCER, FAMILIAL; Hereditary breast cancer; hereditary breast carcinoma. Identifiers: Orphanet 227535, MedGen C0346153, MONDO:0016419, OMIM 114480. Disease mechanism: loss of function.
Hereditary cancer-predisposing syndrome. Also called: Neoplastic Syndromes, Hereditary; Tumor predisposition; Hereditary neoplastic syndrome; Hereditary Cancer Syndrome. Identifiers: Orphanet 140162, MedGen C0027672, MeSH D009386, MONDO:0015356.

Submissions (5):

Ambry Genetics
Classification: Pathogenic for Hereditary cancer-predisposing syndrome. Last evaluated: 2024-03-21. Review status: criteria provided, single submitter. Criteria: Ambry Variant Classification Scheme 2023. Collection method: clinical testing. Allele origin: germline.
Comment: The p.W91* pathogenic mutation (also known as c.272G>A), located in coding exon 3 of the BARD1 gene, results from a G to A substitution at nucleotide position 272. This changes the amino acid from a tryptophan to a stop codon within coding exon 3. This alteration is expected to result in loss of function by premature protein truncation or nonsense-mediated mRNA decay. As such, this alteration is interpreted as a disease-causing mutation.

Labcorp Genetics (formerly Invitae), Labcorp
Classification: Pathogenic for Familial cancer of breast. Last evaluated: 2024-03-01. Review status: criteria provided, single submitter. Criteria: Invitae Variant Classification Sherloc (09022015). Collection method: clinical testing. Allele origin: germline.
Comment: This sequence change creates a premature translational stop signal (p.Trp91*) in the BARD1 gene. It is expected to result in an absent or disrupted protein product. Loss-of-function variants in BARD1 are known to be pathogenic (PMID: 20077502, 21344236). This variant is not present in population databases (gnomAD no frequency). This variant has not been reported in the literature in individuals affected with BARD1-related conditions. ClinVar contains an entry for this variant (Variation ID: 629003). Algorithms developed to predict the effect of sequence changes on RNA splicing suggest that this variant may create or strengthen a splice site. For these reasons, this variant has been classified as Pathogenic.

Myriad Genetics, Inc.
Classification: Pathogenic for Familial cancer of breast. Last evaluated: 2023-05-18. Review status: criteria provided, single submitter. Criteria: Myriad Autosomal Dominant, Autosomal Recessive and X-Linked Classification Criteria (2023). Collection method: clinical testing. Allele origin: unknown.
Comment: This variant is considered pathogenic. This variant creates a termination codon and is predicted to result in premature protein truncation.

Baylor Genetics
Classification: Likely pathogenic for Familial cancer of breast. Last evaluated: 2023-05-03. Review status: criteria provided, single submitter. Criteria: ACMG Guidelines, 2015. Collection method: clinical testing. Allele origin: unknown.

Color Diagnostics, LLC DBA Color Health
Classification: Pathogenic for Hereditary cancer-predisposing syndrome. Last evaluated: 2020-01-15. Review status: criteria provided, single submitter. Criteria: ACMG Guidelines, 2015. Collection method: clinical testing. Allele origin: germline.
Comment: This variant changes 1 nucleotide in exon 3 of the BARD1 gene, creating a premature translation stop signal. This variant is expected to result in an absent or non-functional protein product. This variant has not been identified in the general population by the Genome Aggregation Database (gnomAD). Loss of BARD1 function is a known mechanism of disease. Based on the available evidence, this variant is classified as Pathogenic.

Literature cited by the submitters: PubMed 20077502 (cited by Labcorp Genetics (formerly Invitae), Labcorp); PubMed 21344236 (cited by Labcorp Genetics (formerly Invitae), Labcorp).